The following is an entry in ClinVar:

ClinVar aggregate classification (germline): Likely pathogenic (1 of 4 stars; one submission).

Conditions:
Neurofibromatosis, type 1 (NF1). Also called: VON RECKLINGHAUSEN DISEASE; NEUROFIBROMATOSIS, TYPE I, SOMATIC; Peripheral type neurofibromatosis; Neurofibromatosis, type I. Identifiers: Orphanet 636, MedGen C0027831, MONDO:0018975, OMIM 162200. Disease mechanism: loss of function.

Submission:

Labcorp Genetics (formerly Invitae), Labcorp
Classification: Likely pathogenic for Neurofibromatosis, type 1. Last evaluated: 2018-12-20. Review status: criteria provided, single submitter. Criteria: Invitae Variant Classification Sherloc (09022015). Collection method: clinical testing. Allele origin: germline.
Comment: In summary, the currently available evidence indicates that the variant is pathogenic, but additional data are needed to prove that conclusively. Therefore, this variant has been classified as Likely Pathogenic. Loss-of-function variants in NF1 are known to be pathogenic (PMID: 10712197, 23913538). This variant has not been reported in the literature in individuals with NF1-related conditions. This variant results in a copy number gain of the genomic region encompassing exons 13-29 of the NF1 gene. While the exact position of this variant cannot be determined from this data, sub-genic copy number gains are generally in tandem (PMID: 25640679) and may result in an absent or disrupted protein product.

Literature cited by the submitters: PubMed 10712197; PubMed 23913538; PubMed 25640679.

NC_000017.10:g.(?_29540877)_(29563299_?)dup

Gene: NF1 (neurofibromin 1; plus strand). Cytogenetic location: 17q11.2.
Variant type: Duplication.
Identifiers: ClinVar variation 666227 (VCV000666227.3).